The following is an entry in ClinVar:

NM_000545.8(HNF1A):c.460A>G (p.Met154Val)

Gene: HNF1A (HNF1 homeobox A; plus strand). Cytogenetic location: 12q24.31.
Variant type: single nucleotide variant.
Coding change: c.460A>G on transcript NM_000545.8 (MANE Select); coding-DNA position 460, A replaced by G.
Protein change: p.Met154Val; replaces methionine 154 with valine.
Molecular consequence: missense variant.
Genome position (GRCh38, 1-based): chr12:120,988,966, A>G. VCF-style: chr12-120988966-A-G. GRCh37 (hg19) VCF-style: chr12-121426769-A-G.
Other names: NM_001306179.2:c.460A>G; c.460A>G, p.Met154Val (NM_001306179.2, NM_001406915.1); short protein forms M154V.
Identifiers: ClinVar variation 3602125 (VCV003602125.1).
Genomic context (GRCh38, chr12:120,988,966, plus strand): 5'-GTCGATACCACTGGCCTCAACCAGTCCCACCTGTCCCAACACCTCAACAAGGGCACTCCC[A>G]TGAAGACGCAGAAGCGGGCCGCCCTGTACACCTGGTACGTCCGCAAGCAGCGAGAGGTGG-3'
Protein context (NP_000536.6, residues 144-164): LSQHLNKGTP[Met154Val]KTQKRAALYT

ClinVar aggregate classification (germline): Likely pathogenic (3 of 4 stars; one submission).

Conditions:
Monogenic diabetes. Identifiers: Orphanet 183625, MedGen C3888631, MONDO:0015967.

Submission:

ClinGen Monogenic Diabetes Variant Curation Expert Panel
Classification: Likely pathogenic for Monogenic diabetes. Last evaluated: 2025-01-02. Review status: reviewed by expert panel. Criteria: ClinGen Diabetes ACMG Specifications HNF1A V2.1.0. Collection method: curation. Allele origin: germline. Inheritance: Autosomal dominant inheritance.
Comment: The c.460A>G variant in the HNF1 homeobox A gene, HNF1A, causes an amino acid change of methionine to valine at codon 154 (p.(Met154Val)) of NM_000545.8. This variant is located within a conserved region of the DNA binding domain (codons 107-174 and 201-280) of HNF1A, which is defined as critical for the protein’s function by the ClinGen MDEP (PM1_Supporting). This variant is absent from gnomAD v2.1.1 (PM2_Supporting). This variant is predicted to be deleterious by computational evidence, with a REVEL score of 0.974, which is greater than the MDEP VCEP threshold of 0.70 (PP3). This variant was identified in six unrelated individuals with non-autoimmune and non-absolute/near-absolute insulin-deficient diabetes (PS4_Moderate; PMIDs: 23348805, 34440499, internal lab contributors). Furthermore, one of these individuals had a clinical history highly specific for HNF1A-MODY (MODY probability calculator result >50%, negative genetic testing for HNF4A, and negative diabetes antibodies) (PP4_Moderate; internal lab contributors). This variant segregated with diabetes with one informative meioses in a single family; however, this does not meet the thresholds for PP1 set by the ClinGen MDEP (PMID: 27236918, internal lab contributors). In summary, c.460A>G meets the criteria to be classified as likely pathogenic for monogenic diabetes. ACMG/AMP criteria applied, as specified by the ClinGen MDEP (specification version 2.1.0, approved 8/11/2023): PM1_Supporting, PM2_Supporting, PP3, PP4_Moderate, PS4_Moderate.